The following is an entry in ClinVar:

ClinVar aggregate classification (germline): Uncertain significance (1 of 4 stars; one submission).

Conditions:
Hereditary spastic paraplegia 30. Identifiers: Orphanet 101010, MedGen C5235139, MONDO:0012476.
Neuropathy, hereditary sensory, type 2C. Also called: Hereditary sensory and autonomic neuropathy type IIC; KIF1A-Related HSAN2 (HSAN2C). Identifiers: Orphanet 970, MedGen C3280168, MONDO:0013634, OMIM 614213.
Intellectual disability, autosomal dominant 9 (NESCAVS). Also called: NESCAV SYNDROME; KIF1A-Related Neurodevelopmental Disorder. Identifiers: Orphanet 662367, MedGen C5393830, MONDO:0013656, OMIM 614255.

Submission:

Labcorp Genetics (formerly Invitae), Labcorp
Classification: Uncertain significance for Hereditary spastic paraplegia 30; Neuropathy, hereditary sensory, type 2C; Intellectual disability, autosomal dominant 9. Last evaluated: 2024-09-11. Review status: criteria provided, single submitter. Criteria: Invitae Variant Classification Sherloc (09022015). Collection method: clinical testing. Allele origin: germline.
Comment: This sequence change replaces glycine, which is neutral and non-polar, with aspartic acid, which is acidic and polar, at codon 320 of the KIF1A protein (p.Gly320Asp). This variant is not present in population databases (gnomAD no frequency). This missense change has been observed in individual(s) with hereditary spastic paraplegia (internal data). ClinVar contains an entry for this variant (Variation ID: 1720558). An algorithm developed to predict the effect of missense changes on protein structure and function (PolyPhen-2) suggests that this variant is likely to be disruptive. In summary, the available evidence is currently insufficient to determine the role of this variant in disease. Therefore, it has been classified as a Variant of Uncertain Significance.

NM_001244008.2(KIF1A):c.959G>A (p.Gly320Asp)

Gene: KIF1A (kinesin family member 1A; minus strand). Cytogenetic location: 2q37.3.
Variant type: single nucleotide variant.
Coding change: c.959G>A on transcript NM_001244008.2 (MANE Select); coding-DNA position 959, G replaced by A.
Protein change: p.Gly320Asp; replaces glycine 320 with aspartic acid.
Molecular consequence: missense variant.
Genome position (GRCh38, 1-based): chr2:240,774,261, C>T on the plus strand (G>A on the coding strand, the complement: KIF1A is on the minus strand). VCF-style: chr2-240774261-C-T. GRCh37 (hg19) VCF-style: chr2-241713678-C-T.
Other names: c.959G>A, p.Gly320Asp (NM_001320705.2, NM_001330289.2, NM_001330290.2 and 21 more transcripts); short protein forms G320D.
Identifiers: ClinVar variation 1720558 (VCV001720558.6), dbSNP rs2537958202, ClinGen allele CA351297033.